The following is an entry in ClinVar:

ClinVar aggregate classification (germline): Pathogenic. Review status: criteria provided, multiple submitters, no conflicts (2 of 4 stars). 4 submissions from 4 submitters: Pathogenic (3). 1 of the submissions does not count toward it. Last evaluated 2023-12-04.

Conditions:
Microcephaly 27, primary, autosomal dominant. Identifiers: MedGen C5543051, MONDO:0030929, OMIM 619180.
LMNB2-related disorder. Also called: LMNB2-related condition.

Submissions (4):

Centre of Medical Genetics, University Hospital Muenster
Classification: Pathogenic. Last evaluated: 2023-12-04. Review status: criteria provided, single submitter. Criteria: ACMG Guidelines, 2015. Collection method: clinical testing. Allele origin: unknown. Affected: yes. Observed: 1 variant allele, 1 heterozygote.
Comment: ACMG categories: PS5,PM2,PM6,PP4,PP5

PreventionGenetics, part of Exact Sciences
Classification: Pathogenic for LMNB2-related condition. Last evaluated: 2022-09-06. Review status: criteria provided, single submitter. Criteria: ACMG Guidelines, 2015. Collection method: clinical testing. Allele origin: germline.
Comment: The LMNB2 c.1192G>A variant is predicted to result in the amino acid substitution p.Glu398Lys. This variant has been previously reported in individuals with primary microcephaly (Parry et al. 2021. PubMed ID: 33033404), and in an individual with developmental disorder (genomic position 2434303; Table S2, Turner et al. 2019. PubMed ID: 31785789). This variant has not been reported in a large population database, indicating this variant is rare. This variant is interpreted as pathogenic.

Blueprint Genetics
Classification: Pathogenic for LMNB2-related disorders. Last evaluated: 2022-07-19. Review status: criteria provided, single submitter. Criteria: ACMG Guidelines, 2015. Collection method: clinical testing. Allele origin: germline. Affected: yes. Observed: 2 variant alleles.

OMIM
Classification: Pathogenic for MICROCEPHALY 27, PRIMARY, AUTOSOMAL DOMINANT. Last evaluated: 2021-02-19. Review status: no assertion criteria provided. Collection method: literature only. Allele origin: germline. Not counted in ClinVar's aggregate classification.

Literature cited by the submitters: PubMed 33033404 (cited by OMIM).

NM_032737.4(LMNB2):c.1192G>A (p.Glu398Lys)

Gene: LMNB2 (lamin B2; minus strand). Cytogenetic location: 19p13.3.
Variant type: single nucleotide variant.
Coding change: c.1192G>A on transcript NM_032737.4 (MANE Select); coding-DNA position 1192, G replaced by A.
Protein change: p.Glu398Lys; replaces glutamic acid 398 with lysine.
Molecular consequence: missense variant.
Genome position (GRCh38, 1-based): chr19:2,434,305, C>T on the plus strand (G>A on the coding strand, the complement: LMNB2 is on the minus strand). VCF-style: chr19-2434305-C-T. GRCh37 (hg19) VCF-style: chr19-2434303-C-T.
Other names: c.1192G>A (NM_032737.3); short protein forms E398K.
Identifiers: ClinVar variation 997434 (VCV000997434.5), dbSNP rs1971791380, ClinGen allele CA403252603.
Genomic context (GRCh38, chr19:2,434,305, plus strand): 5'-CCTGCCCCTCCTCCTCACTCTGTGCTCCCAAGCCTCCTGGCCTGCCGCACCTCTCCTCCT[C>T]GCCCTCCAGGAGCTTCCGGTAGGCGTTGATCTCCATGTCCAGGGCCAGCTTCACGTCCAG-3'
Protein context (NP_116126.3, residues 388-408): INAYRKLLEG[Glu398Lys]EERLKLSPSP